The following is an entry in ClinVar:

ClinVar aggregate classification (germline): Uncertain significance (1 of 4 stars; one submission).

gnomAD v4.1: 2 of 1,612,294 alleles (0.00012%); no homozygotes.

Submission:

GeneDx
Classification: Uncertain significance. Last evaluated: 2023-03-06. Review status: criteria provided, single submitter. Criteria: GeneDx Variant Classification Process June 2021. Collection method: clinical testing. Allele origin: germline. Affected: yes.
Comment: Not observed at significant frequency in large population cohorts (gnomAD); In silico analysis supports that this missense variant has a deleterious effect on protein structure/function; Has not been previously published as pathogenic or benign to our knowledge

NM_080680.3(COL11A2):c.2020C>T (p.Pro674Ser)

Gene: COL11A2 (collagen type XI alpha 2 chain; minus strand). Cytogenetic location: 6p21.32.
Variant type: single nucleotide variant.
Coding change: c.2020C>T on transcript NM_080680.3 (MANE Select); coding-DNA position 2020, C replaced by T.
Protein change: p.Pro674Ser; replaces proline 674 with serine.
Molecular consequence: missense variant.
Genome position (GRCh38, 1-based): chr6:33,177,042, G>A on the plus strand (C>T on the coding strand, the complement: COL11A2 is on the minus strand). VCF-style: chr6-33177042-G-A. GRCh37 (hg19) VCF-style: chr6-33144819-G-A.
Other names: c.1840C>T, p.Pro614Ser (NM_001424108.1); c.1174C>T, p.Pro392Ser (NM_001424109.1); c.994C>T, p.Pro332Ser (NM_001424110.1, NM_001424111.1); c.-27C>T (NM_001424112.1); c.1699C>T, p.Pro567Ser (NM_080679.3); c.1762C>T, p.Pro588Ser (NM_080681.3); short protein forms P332S, P392S, P567S, P588S, P614S, P674S.
Identifiers: ClinVar variation 2579495 (VCV002579495.1), dbSNP rs1583336559, ClinGen allele CA363653277.